The following is an entry in ClinVar:

ClinVar aggregate classification (germline): Uncertain significance. Review status: criteria provided, multiple submitters, no conflicts (2 of 4 stars). 2 submissions from 2 submitters: Uncertain significance (2). Last evaluated 2025-12-01.

Conditions:
Orofaciodigital syndrome type 6 (OFD6). Also called: OROFACIODIGITAL SYNDROME VI; OFDS VI; POLYDACTYLY, CLEFT LIP/PALATE OR LINGUAL LUMP, AND PSYCHOMOTOR RETARDATION; VARADI SYNDROME; VARADI-PAPP SYNDROME; Oral-facial-digital syndrome type 6. Identifiers: Orphanet 2754, MedGen C2745997, MONDO:0010176, OMIM 277170.
Joubert syndrome 17 (JBTS17). Identifiers: Orphanet 475, MedGen C3553264, MONDO:0013824, OMIM 614615.

Allele frequency attached by ClinVar (database versions not stated): gnomAD exomes below 0.00001 and 0.00002; ExAC 0.00005; gnomAD 0.00006 and 0.00007; TOPMed 0.00008; 1000 Genomes Project 30x 0.00016; 1000 Genomes Project 0.00020.

Submissions (2):

Labcorp Genetics (formerly Invitae), Labcorp
Classification: Uncertain significance. Last evaluated: 2025-12-01. Review status: criteria provided, single submitter. Criteria: Invitae Variant Classification Sherloc (09022015). Collection method: clinical testing. Allele origin: germline.
Comment: This sequence change replaces valine, which is neutral and non-polar, with methionine, which is neutral and non-polar, at codon 657 of the CPLANE1 protein (p.Val657Met). This variant is present in population databases (rs529419886, gnomAD 0.03%). This variant has not been reported in the literature in individuals affected with CPLANE1-related conditions. ClinVar contains an entry for this variant (Variation ID: 1398940). Invitae Evidence Modeling of protein sequence and biophysical properties (such as structural, functional, and spatial information, amino acid conservation, physicochemical variation, residue mobility, and thermodynamic stability) indicates that this missense variant is not expected to disrupt CPLANE1 protein function with a negative predictive value of 95%. In summary, the available evidence is currently insufficient to determine the role of this variant in disease. Therefore, it has been classified as a Variant of Uncertain Significance.

Fulgent Genetics
Classification: Uncertain significance for Orofaciodigital syndrome type 6; Joubert syndrome 17. Last evaluated: 2024-06-25. Review status: criteria provided, single submitter. Criteria: ACMG Guidelines, 2015. Collection method: clinical testing. Allele origin: germline.

NM_001384732.1(CPLANE1):c.1969G>A (p.Val657Met)

Gene: CPLANE1 (ciliogenesis and planar polarity effector complex subunit 1; minus strand). Cytogenetic location: 5p13.2.
Variant type: single nucleotide variant.
Coding change: c.1969G>A on transcript NM_001384732.1 (MANE Select); coding-DNA position 1969, G replaced by A.
Protein change: p.Val657Met; replaces valine 657 with methionine.
Molecular consequence: missense variant.
Genome position (GRCh38, 1-based): chr5:37,226,626, C>T on the plus strand (G>A on the coding strand, the complement: CPLANE1 is on the minus strand). VCF-style: chr5-37226626-C-T. GRCh37 (hg19) VCF-style: chr5-37226728-C-T.
Other names: c.1969G>A, p.Val657Met (NM_023073.4); short protein forms V657M.
Identifiers: ClinVar variation 1398940 (VCV001398940.6), dbSNP rs529419886, ClinGen allele CA3239064.
Genomic context (GRCh38, chr5:37,226,626, plus strand): 5'-TTTGTTGCTGAGTCAGCAAAAGTTTTACAGTATTTGAGGTCAGCTTTATCAAATGCCCCA[C>T]ATCTTGTTTGTATCTTATATCCCAATAATGGATTGATAAACACTGATGAAAAAGTTGAAA-3'
Protein context (NP_001371661.1, residues 647-667): HYWDIRYKQD[Val657Met]GHLIKLTSNT